The following is an entry in ClinVar:

ClinVar aggregate classification (germline): Uncertain significance (1 of 4 stars; one submission).

Conditions:
Hereditary cancer-predisposing syndrome. Also called: Neoplastic Syndromes, Hereditary; Tumor predisposition; Hereditary Cancer Syndrome; Hereditary neoplastic syndrome. Identifiers: Orphanet 140162, MedGen C0027672, MeSH D009386, MONDO:0015356.

Submission:

Ambry Genetics
Classification: Uncertain significance for Hereditary cancer-predisposing syndrome. Last evaluated: 2026-03-30. Review status: criteria provided, single submitter. Criteria: Ambry Variant Classification Scheme 2023. Collection method: clinical testing. Allele origin: germline.
Comment: The p.Q805P variant (also known as c.2414A>C), located in coding exon 14 of the PMS2 gene, results from an A to C substitution at nucleotide position 2414. The glutamine at codon 805 is replaced by proline, an amino acid with similar properties. This amino acid position is conserved. In addition, this alteration is predicted to be deleterious by in silico analysis. Based on the available evidence, the clinical significance of this variant remains unclear.

NM_000535.7(PMS2):c.2414A>C (p.Gln805Pro)

Gene: PMS2 (PMS1 homolog 2, mismatch repair system component; minus strand). Cytogenetic location: 7p22.1.
Variant type: single nucleotide variant.
Coding change: c.2414A>C on transcript NM_000535.7 (MANE Select); coding-DNA position 2414, A replaced by C.
Protein change: p.Gln805Pro; replaces glutamine 805 with proline.
Molecular consequence: missense variant. On other transcripts: non-coding transcript variant (1).
Genome position (GRCh38, 1-based): chr7:5,977,619, T>G on the plus strand (A>C on the coding strand, the complement: PMS2 is on the minus strand). VCF-style: chr7-5977619-T-G. GRCh37 (hg19) VCF-style: chr7-6017250-T-G.
Other names: c.2009A>C, p.Gln670Pro (NM_001322003.2, NM_001322004.2, NM_001322005.2 and 11 more transcripts); c.2258A>C, p.Gln753Pro (NM_001322006.2); c.2096A>C, p.Gln699Pro (NM_001322007.2, NM_001322008.2, NM_001406883.1); c.2042A>C, p.Gln681Pro (NM_001322009.2, NM_001406887.1, NM_001406888.1); c.1853A>C, p.Gln618Pro (NM_001322010.2, NM_001406906.1, NM_001406907.1); c.1481A>C, p.Gln494Pro (NM_001322011.2, NM_001322012.2); c.1841A>C, p.Gln614Pro (NM_001322013.2, NM_001406908.1, NM_001406909.1); c.2447A>C, p.Gln816Pro (NM_001322014.2); and 20 more; short protein forms Q548P, Q618P, Q643P, Q702P, Q764P, Q404P, Q566P, Q614P.
Identifiers: ClinVar variation 3935149 (VCV003935149.2).